The following is an entry in ClinVar:

ClinVar aggregate classification (germline): Conflicting classifications of pathogenicity. Review status: criteria provided, conflicting classifications (1 of 4 stars). 4 submissions from 4 submitters: Uncertain significance (1); Likely benign (1). 2 of the submissions do not count toward it. Last evaluated 2025-08-01.

Submissions (4):

CeGaT Center for Human Genetics Tuebingen
Classification: Likely benign. Last evaluated: 2025-08-01. Review status: criteria provided, single submitter. Criteria: CeGaT Center For Human Genetics Tuebingen Variant Classification Criteria Version 2. Collection method: clinical testing. Allele origin: germline. Affected: yes. Observed: 1 variant allele.
Comment: TTN: BP4, BP7

Eurofins Ntd Llc (ga)
Classification: Uncertain significance. Last evaluated: 2016-10-12. Review status: criteria provided, single submitter. Criteria: EGL Classification Definitions 2015. Collection method: clinical testing. Allele origin: germline. Observed: 40 variant alleles.

Diagnostic Laboratory, Department of Genetics, University Medical Center Groningen
Classification: Likely benign. Review status: no assertion criteria provided. Collection method: clinical testing. Allele origin: germline. Affected: yes. Study: VKGL Data-share Consensus. Not counted in ClinVar's aggregate classification.

Joint Genome Diagnostic Labs from Nijmegen and Maastricht, Radboudumc and MUMC+
Classification: Benign. Review status: no assertion criteria provided. Collection method: clinical testing. Allele origin: germline. Affected: yes. Study: VKGL Data-share Consensus. Not counted in ClinVar's aggregate classification.

NM_133379.5(TTN):c.15313C>A (p.Arg5105=)

Gene: TTN (titin; minus strand). Cytogenetic location: 2q31.2.
Variant type: single nucleotide variant.
Coding change: c.15313C>A on transcript NM_133379.5; coding-DNA position 15313, C replaced by A.
Protein change: p.Arg5105=; no amino-acid change (arginine 5105 retained).
Molecular consequence: synonymous variant. On other transcripts: intron variant (6).
Genome position (GRCh38, 1-based): chr2:178,747,087, G>T on the plus strand (C>A on the coding strand, the complement: TTN is on the minus strand). VCF-style: chr2-178747087-G-T. GRCh37 (hg19) VCF-style: chr2-179611814-G-T.
Other names: c.10223-5166C>A (NM_003319.4); c.10799-5166C>A (NM_133437.4); c.10598-5166C>A (NM_133432.3); c.10360+6037C>A (NM_133378.4); c.10361-5166C>A (NM_001256850.1); c.11312-5166C>A (NM_001267550.2).
Identifiers: ClinVar variation 497554 (VCV000497554.17), dbSNP rs376396183, ClinGen allele CA645514539.